The following is an entry in ClinVar:

ClinVar aggregate classification (germline): Likely pathogenic (1 of 4 stars; one submission).

Conditions:
TGFBI-related disorder. Also called: TGFBI-related condition.

gnomAD v4.1: 1 of 1,613,872 alleles (0.000062%); highest among the groups gnomAD compares: Non-Finnish European, 0.000085%; no homozygotes.

Submission:

3billion
Classification: Likely pathogenic for TGFBI-related disorder. Last evaluated: 2025-08-01. Review status: criteria provided, single submitter. Criteria: ACMG Guidelines, 2015. Collection method: clinical testing. Allele origin: germline. Affected: yes.
Comment: The variant is observed at an extremely low frequency in the gnomAD v4.1.0 dataset (total allele frequency: <0.001%). Predicted Consequence/Location: The variant is located in a mutational hot spot and/or well-established functional domain in which established pathogenic variants have been reported (PMID: 30830990). Missense changes are a common disease-causing mechanism. In silico tool predictions suggest damaging effect of the variant on gene or gene product [REVEL: 0.85 (>=0.6, sensitivity 0.68 and specificity 0.92); 3Cnet: 0.86 (> 0.75, sensitivity 0.96 and precision 0.92)]. The same nucleotide change resulting in the same amino acid change has been previously reported to be associated with TGFBI-related disorder (PMID: 19303004). Therefore, this variant is classified as Likely pathogenic according to the recommendation of ACMG/AMP guideline.

Literature cited by the submitters: PubMed 19303004.

NM_000358.3(TGFBI):c.1649T>C (p.Leu550Pro)

Gene: TGFBI (transforming growth factor beta induced; plus strand). Cytogenetic location: 5q31.1.
Variant type: single nucleotide variant.
Coding change: c.1649T>C on transcript NM_000358.3 (MANE Select); coding-DNA position 1649, T replaced by C.
Protein change: p.Leu550Pro; replaces leucine 550 with proline.
Molecular consequence: missense variant.
Genome position (GRCh38, 1-based): chr5:136,056,766, T>C. VCF-style: chr5-136056766-T-C. GRCh37 (hg19) VCF-style: chr5-135392455-T-C.
Other names: short protein forms L550P.
Identifiers: ClinVar variation 4855562 (VCV004855562.1).